The following is an entry in ClinVar:

ClinVar aggregate classification (germline): Uncertain significance. Review status: criteria provided, multiple submitters, no conflicts (2 of 4 stars). 2 submissions from 2 submitters: Uncertain significance (2). Last evaluated 2026-03-05.

Conditions:
Hereditary cancer-predisposing syndrome. Also called: Hereditary neoplastic syndrome; Neoplastic Syndromes, Hereditary; Tumor predisposition; Hereditary Cancer Syndrome. Identifiers: Orphanet 140162, MedGen C0027672, MeSH D009386, MONDO:0015356.

Submissions (2):

Women's Health and Genetics/Laboratory Corporation of America, LabCorp
Classification: Uncertain significance. Last evaluated: 2026-03-05. Review status: criteria provided, single submitter. Criteria: LabCorp Variant Classification Summary - May 2015. Collection method: clinical testing. Allele origin: germline.
Comment: Variant summary: ATM c.8177C>T (p.Ala2726Val) results in a non-conservative amino acid change in the encoded protein sequence. Algorithms developed to predict the effect of missense changes on protein structure and function all suggest that this variant is likely to be disruptive. The variant was absent in 251026 control chromosomes. The available data on variant occurrences in the general population are insufficient to allow any conclusion about variant significance. c.8177C>T has been observed in the presumed compound heterozygous state in at least 1 individual(s) affected with autosomal recessive Ataxia-telangiectasia syndrome (Mitui_2003, Castellvi-Bel_1999) and in an unknown state in at least 1 individual undergoing testing for breast cancer (D'Oronzo_2019) without strong evidence for causality. These data do not allow any conclusion about variant significance. To our knowledge, no experimental evidence demonstrating an impact on protein function has been reported. The following publications have been ascertained in the context of this evaluation (PMID: 31754145, 24272205, 21445571, 38745088, 22529920, 10425038, 12815592, 33186471). ClinVar contains an entry for this variant (Variation ID: 1762296). Based on the evidence outlined above, the variant was classified as uncertain significance.

Ambry Genetics
Classification: Uncertain significance for Hereditary cancer-predisposing syndrome. Last evaluated: 2021-08-05. Review status: criteria provided, single submitter. Criteria: Ambry Variant Classification Scheme 2023. Collection method: clinical testing. Allele origin: germline.
Comment: The p.A2726V variant (also known as c.8177C>T), located in coding exon 55 of the ATM gene, results from a C to T substitution at nucleotide position 8177. The alanine at codon 2726 is replaced by valine, an amino acid with similar properties. This alteration was identified in a cohort of Italian patients with ataxia-telangiectasia; however, the authors did not describe if a second ATM alteration was identified in the same patient (Castellv&iacute;-Bel S et al. Hum Mutat. 1999;14:156-62). This amino acid position is highly conserved in available vertebrate species. In addition, this alteration is predicted to be deleterious by in silico analysis. Since supporting evidence is limited at this time, the clinical significance of this alteration remains unclear.

Literature cited by the submitters: PubMed 22529920 (cited by Women's Health and Genetics/Laboratory Corporation of America, LabCorp); PubMed 21445571 (cited by Women's Health and Genetics/Laboratory Corporation of America, LabCorp); PubMed 10425038 (cited by Women's Health and Genetics/Laboratory Corporation of America, LabCorp and Ambry Genetics); PubMed 12815592 (cited by Women's Health and Genetics/Laboratory Corporation of America, LabCorp); PubMed 24272205 (cited by Women's Health and Genetics/Laboratory Corporation of America, LabCorp); PubMed 38745088 (cited by Women's Health and Genetics/Laboratory Corporation of America, LabCorp); PubMed 33186471 (cited by Women's Health and Genetics/Laboratory Corporation of America, LabCorp); PubMed 31754145 (cited by Women's Health and Genetics/Laboratory Corporation of America, LabCorp).

NM_000051.4(ATM):c.8177C>T (p.Ala2726Val)

Genes: ATM (ATM serine/threonine kinase; plus strand), C11orf65 (chromosome 11 open reading frame 65; minus strand). Cytogenetic location: 11q22.3.
Variant type: single nucleotide variant.
Coding change: c.8177C>T on transcript NM_000051.4 (MANE Select); coding-DNA position 8177, C replaced by T.
Protein change: p.Ala2726Val; replaces alanine 2726 with valine.
Molecular consequence: missense variant. On other transcripts: intron variant (2).
Genome position (GRCh38, 1-based): chr11:108,335,870, C>T. VCF-style: chr11-108335870-C-T. GRCh37 (hg19) VCF-style: chr11-108206597-C-T.
Other names: c.8177C>T, p.Ala2726Val (NM_001351834.2); c.641-26799G>A (NM_001330368.2); c.695-578G>A (NM_001351110.2); short protein forms A2726V.
Identifiers: ClinVar variation 1762296 (VCV001762296.3), dbSNP rs2136693216, ClinGen allele CA382562508.